The following is an entry in ClinVar:

NM_000256.3(MYBPC3):c.2071_2072del (p.Gly690_Asn691insTer)

Gene: MYBPC3 (myosin binding protein C3; minus strand). Cytogenetic location: 11p11.2.
Variant type: Deletion.
Coding change: c.2071_2072del on transcript NM_000256.3 (MANE Select); coding-DNA positions 2071 to 2072, 2 bases deleted (AA; older notation c.2071_2072delAA).
Protein change: p.Gly690_Asn691insTer.
Molecular consequence: nonsense.
Genome position (GRCh38, 1-based): chr11:47,339,400-47,339,401, TT deleted on the plus strand (AA on the coding strand, the reverse complement: MYBPC3 is on the minus strand). VCF-style (leftmost placement, unchanged base first): chr11-47339399-ATT-A. GRCh37 (hg19) VCF-style: chr11-47360950-ATT-A.
Identifiers: ClinVar variation 1394085 (VCV001394085.6), dbSNP rs2142857362, ClinGen allele CA2573147065.
Genomic context (GRCh38, chr11:47,339,399, plus strand): 5'-CCACTCATCGCTGTCACCTGTGTCCTCTGGGGCATCTGGGGCTGGCCTGGCTGGGGCCTT[ATT>A]CCCCTGGGAACAGGGCAGGAGGGAAGTAGGGAGCAGAGGAGCTGACTCAGCCTGGAAGCG-3'

ClinVar aggregate classification (germline): Pathogenic (1 of 4 stars; one submission).

Conditions:
Hypertrophic cardiomyopathy. Also called: HYPERTROPHIC MYOCARDIOPATHY. Identifiers: Orphanet 217569, MedGen C0007194, MeSH D002312, MONDO:0005045, HP:0001639.

Submission:

Labcorp Genetics (formerly Invitae), Labcorp
Classification: Pathogenic for Hypertrophic cardiomyopathy. Last evaluated: 2024-02-24. Review status: criteria provided, single submitter. Criteria: Invitae Variant Classification Sherloc (09022015). Collection method: clinical testing. Allele origin: germline.
Comment: This sequence change creates a premature translational stop signal (p.Asn691*) in the MYBPC3 gene. It is expected to result in an absent or disrupted protein product. Loss-of-function variants in MYBPC3 are known to be pathogenic (PMID: 19574547). This variant is not present in population databases (gnomAD no frequency). This variant has not been reported in the literature in individuals affected with MYBPC3-related conditions. ClinVar contains an entry for this variant (Variation ID: 1394085). Algorithms developed to predict the effect of sequence changes on RNA splicing suggest that this variant may disrupt the consensus splice site. For these reasons, this variant has been classified as Pathogenic.

Literature cited by the submitters: PubMed 19574547.